The following is an entry in ClinVar:

ClinVar aggregate classification (germline): Uncertain significance. Review status: criteria provided, single submitter (1 of 4 stars). 2 submissions from 2 submitters: Uncertain significance (1). 1 of the submissions does not count toward it. Last evaluated 2021-02-27.

Conditions:
Retinoblastoma (RB1). Also called: RETINOBLASTOMA, SOMATIC. Identifiers: Orphanet 790, MedGen C0035335, MeSH D012175, MONDO:0008380, OMIM 180200, HP:0009919. Disease mechanism: loss of function. Inheritance: Both sporadic and heritable forms are tested..

Submissions (2):

Labcorp Genetics (formerly Invitae), Labcorp
Classification: Uncertain significance for Retinoblastoma. Last evaluated: 2021-02-27. Review status: criteria provided, single submitter. Criteria: Invitae Variant Classification Sherloc (09022015). Collection method: clinical testing. Allele origin: germline.
Comment: In summary, the available evidence is currently insufficient to determine the role of this variant in disease. Therefore, it has been classified as a Variant of Uncertain Significance. Advanced modeling of protein sequence and biophysical properties (such as structural, functional, and spatial information, amino acid conservation, physicochemical variation, residue mobility, and thermodynamic stability) performed at Invitae indicates that this missense variant is expected to disrupt RB1 protein function. This sequence change replaces tyrosine with cysteine at codon 655 of the RB1 protein (p.Tyr655Cys). The tyrosine residue is highly conserved and there is a large physicochemical difference between tyrosine and cysteine. This variant has not been reported in the literature in individuals with RB1-related conditions. ClinVar contains an entry for this variant (Variation ID: 978460). This variant is not present in population databases (ExAC no frequency).

Unidad de Genómica Garrahan, Hospital de Pediatría Garrahan
Classification: Likely pathogenic for Retinoblastoma. Last evaluated: 2019-05-09. Review status: no assertion criteria provided. Collection method: clinical testing. Allele origin: paternal. Affected: yes. Not counted in ClinVar's aggregate classification.

NM_000321.3(RB1):c.1964A>G (p.Tyr655Cys)

Gene: RB1 (RB transcriptional corepressor 1; plus strand). Cytogenetic location: 13q14.2.
Variant type: single nucleotide variant.
Coding change: c.1964A>G on transcript NM_000321.3 (MANE Select); coding-DNA position 1964, A replaced by G.
Protein change: p.Tyr655Cys; replaces tyrosine 655 with cysteine.
Molecular consequence: missense variant.
Genome position (GRCh38, 1-based): chr13:48,459,691, A>G. VCF-style: chr13-48459691-A-G. GRCh37 (hg19) VCF-style: chr13-49033827-A-G.
Other names: short protein forms Y655C.
Identifiers: ClinVar variation 978460 (VCV000978460.9), dbSNP rs774196937, ClinGen allele CA388166677.